The following is an entry in ClinVar:

ClinVar aggregate classification (germline): Conflicting classifications of pathogenicity. Review status: criteria provided, conflicting classifications (1 of 4 stars). 2 submissions from 2 submitters: Uncertain significance (1); Benign (1). Last evaluated 2025-02-24.

Conditions:
Intellectual developmental disorder, autosomal dominant 6, with or without seizures. Also called: Intellectual disability, autosomal dominant 6; GRIN2B-related developmental delay, intellectual disability and autism spectrum disorder. Identifiers: Orphanet 589547, MedGen C3151411, MONDO:0013509, OMIM 613970.
Developmental and epileptic encephalopathy, 27 (DEE27). Also called: Epileptic encephalopathy, early infantile, 27; GRIN2B-Related Neurodevelopmental Disorder. Identifiers: Orphanet 3451, MedGen C4015316, MONDO:0014505, OMIM 616139.

Allele frequency attached by ClinVar (database versions not stated): gnomAD exomes 0.00001; ExAC 0.00002.
gnomAD v4.1: 20 of 1,614,144 alleles (0.0012%); highest among the groups gnomAD compares: Non-Finnish European, 0.0017%; no homozygotes.

Submissions (2):

Labcorp Genetics (formerly Invitae), Labcorp
Classification: Benign for Developmental and epileptic encephalopathy, 27; Intellectual developmental disorder, autosomal dominant 6, with or without seizures. Last evaluated: 2025-02-24. Review status: criteria provided, single submitter. Criteria: Invitae Variant Classification Sherloc (09022015). Collection method: clinical testing. Allele origin: germline.

GeneDx
Classification: Uncertain significance. Last evaluated: 2015-01-08. Review status: criteria provided, single submitter. Criteria: GeneDx Variant Classification (06012015). Collection method: clinical testing. Allele origin: germline. Affected: yes.
Comment: p.Ser1452Phe (TCC>TTC): c.4355 C>T in exon 13 of the GRIN2B gene (NM_000834.3). The S1452S variant has not been published as a mutation, nor has it been reported as a benign polymorphism to our knowledge. It was not observed in approximately 6,500 individuals of European and African American ancestry in the NHLBI Exome Sequencing Project, indicating it is not a common benign variant in these populations. The S1452S variant is a non-conservative amino acid substitution, which is likely to impact secondary protein structure as these residues differ in polarity, charge, size and/or other properties. This substitution occurs at a position that is conserved through mammals. In silico analysis is inconsistent in its predictions as to whether or not the variant is damaging to the protein structure/function. Therefore, based on the currently available information, it is unclear whether this variant is a pathogenic mutation or a rare benign variant. The variant is found in INFANTV2-EPIV2-1 panel(s).

NM_000834.5(GRIN2B):c.4355C>T (p.Ser1452Phe)

Gene: GRIN2B (glutamate ionotropic receptor NMDA type subunit 2B; minus strand). Cytogenetic location: 12p13.1.
Variant type: single nucleotide variant.
Coding change: c.4355C>T on transcript NM_000834.5 (MANE Select); coding-DNA position 4355, C replaced by T.
Protein change: p.Ser1452Phe; replaces serine 1452 with phenylalanine.
Molecular consequence: missense variant.
Genome position (GRCh38, 1-based): chr12:13,562,883, G>A on the plus strand (C>T on the coding strand, the complement: GRIN2B is on the minus strand). VCF-style: chr12-13562883-G-A. GRCh37 (hg19) VCF-style: chr12-13715817-G-A.
Other names: p.S1452F:TCC>TTC; short protein forms S1452F.
Identifiers: ClinVar variation 205725 (VCV000205725.7), dbSNP rs756790727, ClinGen allele CA315077.